The following is an entry in ClinVar:

ClinVar aggregate classification (germline): Conflicting classifications of pathogenicity. Review status: criteria provided, conflicting classifications (1 of 4 stars). 4 submissions from 4 submitters: Uncertain significance (3); Likely benign (1). Last evaluated 2023-10-15.

Conditions:
Hereditary breast ovarian cancer syndrome. Also called: Hereditary breast and ovarian cancer syndrome; Hereditary breast and ovarian cancer syndrome (HBOC); BRCA1- and BRCA2-Associated Hereditary Breast and Ovarian Cancer; Breast and ovarian cancer; Hereditary breast and ovarian cancer; Hereditary breast and/or ovarian cancer syndrome. Identifiers: Orphanet 145, MedGen C0677776, MeSH D061325, MONDO:0003582. Disease mechanism: loss of function.
Hereditary cancer-predisposing syndrome. Also called: Hereditary Cancer Syndrome; Hereditary neoplastic syndrome; Tumor predisposition; Neoplastic Syndromes, Hereditary. Identifiers: Orphanet 140162, MedGen C0027672, MeSH D009386, MONDO:0015356.

Allele frequency attached by ClinVar (database versions not stated): TOPMed 0.00001.
gnomAD v4.1: 1 of 1,613,968 alleles (0.000062%); highest among the groups gnomAD compares: Non-Finnish European, 0.000085%; no homozygotes.

Submissions (5):

Labcorp Genetics (formerly Invitae), Labcorp
Classification: Uncertain significance for Hereditary breast ovarian cancer syndrome. Last evaluated: 2023-10-15. Review status: criteria provided, single submitter. Criteria: Invitae Variant Classification Sherloc (09022015). Collection method: clinical testing. Allele origin: germline.
Comment: This sequence change replaces valine, which is neutral and non-polar, with methionine, which is neutral and non-polar, at codon 1838 of the BRCA1 protein (p.Val1838Met). This variant is not present in population databases (gnomAD no frequency). This missense change has been observed in individual(s) with clinical features of BRCA1-related conditions (PMID: 21520333). ClinVar contains an entry for this variant (Variation ID: 182173). Advanced modeling performed at Invitae incorporating data from internal and/or published experimental studies (PMID: 30209399) indicates that this missense variant is not expected to disrupt BRCA1 function. Experimental studies have shown that this missense change does not substantially affect BRCA1 function (PMID: 30209399). This variant disrupts the p.Val1838 amino acid residue in BRCA1. Other variant(s) that disrupt this residue have been determined to be pathogenic (PMID: 18375895, 20516115, 21990134, 27272900). This suggests that this residue is clinically significant, and that variants that disrupt this residue are likely to be disease-causing. In summary, the available evidence is currently insufficient to determine the role of this variant in disease. Therefore, it has been classified as a Variant of Uncertain Significance.

Ambry Genetics
Classification: Likely benign for Hereditary cancer-predisposing syndrome. Last evaluated: 2021-07-15. Review status: criteria provided, single submitter. Criteria: Ambry Variant Classification Scheme 2023. Collection method: clinical testing. Allele origin: germline.

Color Diagnostics, LLC DBA Color Health
Classification: Uncertain significance for Hereditary cancer-predisposing syndrome. Last evaluated: 2019-08-09. Review status: criteria provided, single submitter. Criteria: ACMG Guidelines, 2015. Collection method: clinical testing. Allele origin: germline.
Comment: This missense variant replaces valine with methionine at codon 1838 of the BRCA1 protein. Computational prediction tools and conservation analyses suggest that this variant may have deleterious impact on the protein function. Computational splicing tools suggest that this variant may not impact RNA splicing. This variant has been reported to be functional in a haploid cell proliferation assay (PMID: 30209399). To our knowledge, this variant has not been reported in individuals affected with hereditary cancer in the literature. Different variants affecting the same position (p.Val1838Glu and p.Val1838Gly) are considered to be disease-causing (ClinVar variation ID: 55611, 254643), suggesting that valine at this position is important for protein structure and function. This variant has not been identified in the general population by the Genome Aggregation Database (gnomAD). Available evidence is insufficient to determine the role of this variant in disease conclusively. Therefore, this variant is classified as a Variant of Uncertain Significance.

GeneDx
Classification: Uncertain significance. Last evaluated: 2014-02-25. Review status: criteria provided, single submitter. Criteria: GeneDx Variant Classification (06012015). Collection method: clinical testing. Allele origin: germline. Affected: yes.
Comment: This variant is denoted BRCA1 c.5512G>A at the cDNA level, p.Val1838Met (V1838M) at the protein level, and results in the change of a Valine to a Methionine (GTG>ATG). This variant has not, to our knowledge, been published in the literature as pathogenic or benign. BRCA1 Val1838Met was not observed in approximately 6,500 individuals of European and African American ancestry in the NHLBI Exome Sequencing Project, indicating it is not a common benign variant in these populations. Since Valine and Methionine share similar properties, this is considered a conservative amino acid substitution and is unlikely to affect protein integrity. BRCA1 Val1838Met occurs at a position that is well conserved across species and is located in the BRCT2 domain. In silico analyses predict that this variant is probably damaging to protein structure and function. Based on currently available information, it is unclear whether BRCA1 Val1838Met is pathogenic or benign. We consider it to be a variant of uncertain significance.

Brotman Baty Institute, University of Washington
No classification provided (evidence only). Condition: Breast-ovarian cancer, familial 1. Review status: no classification provided. Collection method: in vitro. Allele origin: not applicable. Functional consequence: functionally_normal. Not counted in ClinVar's aggregate classification.
ClinVar note: "not provided" was previously submitted as the classification for the variant. However, the classification appeared to be based only on an observation of functional data so it was converted to no classification on 2025-07-30.

Literature cited by the submitters: PubMed 21520333 (cited by Labcorp Genetics (formerly Invitae), Labcorp); PubMed 30209399 (cited by Labcorp Genetics (formerly Invitae), Labcorp and Ambry Genetics); PubMed 18375895 (cited by Labcorp Genetics (formerly Invitae), Labcorp); PubMed 20516115 (cited by Labcorp Genetics (formerly Invitae), Labcorp); PubMed 21990134 (cited by Labcorp Genetics (formerly Invitae), Labcorp); PubMed 27272900 (cited by Labcorp Genetics (formerly Invitae), Labcorp).

NM_007294.4(BRCA1):c.5512G>A (p.Val1838Met)

Gene: BRCA1 (BRCA1 DNA repair associated; minus strand). Cytogenetic location: 17q21.31.
Variant type: single nucleotide variant.
Coding change: c.5512G>A on transcript NM_007294.4 (MANE Select); coding-DNA position 5512, G replaced by A.
Protein change: p.Val1838Met; replaces valine 1838 with methionine.
Molecular consequence: missense variant. On other transcripts: 3 prime UTR variant (1), non-coding transcript variant (1).
Genome position (GRCh38, 1-based): chr17:43,045,758, C>T on the plus strand (G>A on the coding strand, the complement: BRCA1 is on the minus strand). VCF-style: chr17-43045758-C-T. GRCh37 (hg19) VCF-style: chr17-41197775-C-T.
Other names: p.V1838M:GTG>ATG; c.5299G>A, p.Val1767Met (NM_001407571.1, NM_001407907.1, NM_001407908.1 and 12 more transcripts); c.5578G>A, p.Val1860Met (NM_001407581.1, NM_001407582.1); c.5575G>A, p.Val1859Met (NM_001407583.1, NM_001407585.1, NM_001407587.1 and 1 more transcripts); c.5572G>A, p.Val1858Met (NM_001407590.1, NM_001407591.1); c.5512G>A, p.Val1838Met (NM_001407593.1, NM_001407594.1, NM_001407596.1 and 5 more transcripts); c.5509G>A, p.Val1837Met (NM_001407613.1, NM_001407614.1, NM_001407615.1 and 14 more transcripts); c.5506G>A, p.Val1836Met (NM_001407632.1, NM_001407633.1, NM_001407634.1 and 13 more transcripts); and 75 more; short protein forms V1838M, V1859M, V734M, V1791M, V1669M, V1710M, V1754M, V1769M.
Identifiers: ClinVar variation 182173 (VCV000182173.18), dbSNP rs730881501, ClinGen allele CA003688.
Genomic context (GRCh38, chr17:43,045,758, plus strand): 5'-TCTGGGGTATCAGGTAGGTGTCCAGCTCCTGGCACTGGTAGAGTGCTACACTGTCCAACA[C>T]CCACTCTCGGGTCACCACAGGTGCCTCACACATCTGCCCAATTGCTGGAGACAGAGAACA-3'
Protein context (NP_009225.1, residues 1828-1848): CEAPVVTREW[Val1838Met]LDSVALYQCQ